The following is an entry in ClinVar:

NM_181882.3(PRX):c.3859A>C (p.Asn1287His)

Gene: PRX (periaxin; minus strand). Cytogenetic location: 19q13.2.
Variant type: single nucleotide variant.
Coding change: c.3859A>C on transcript NM_181882.3 (MANE Select); coding-DNA position 3859, A replaced by C.
Protein change: p.Asn1287His; replaces asparagine 1287 with histidine.
Molecular consequence: missense variant. On other transcripts: 3 prime UTR variant (1).
Genome position (GRCh38, 1-based): chr19:40,394,493, T>G on the plus strand (A>C on the coding strand, the complement: PRX is on the minus strand). VCF-style: chr19-40394493-T-G. GRCh37 (hg19) VCF-style: chr19-40900400-T-G.
Other names: c.*4064A>C (NM_020956.2); short protein forms N1287H.
Identifiers: ClinVar variation 1491741 (VCV001491741.8), dbSNP rs2145725536, ClinGen allele CA405891905.

ClinVar aggregate classification (germline): Uncertain significance (1 of 4 stars; one submission).

Conditions:
Charcot-Marie-Tooth disease type 4. Also called: Charcot-Marie-Tooth, Type 4; Charcot-Marie-Tooth disease, type IV. Identifiers: Orphanet 64749, MedGen C4082197, MONDO:0018995.

Allele frequency attached by ClinVar (database versions not stated): gnomAD exomes below 0.00001.
gnomAD v4.1: 1 of 1,599,958 alleles (0.000063%); highest among the groups gnomAD compares: Admixed American, 0.0017%; no homozygotes.

Submission:

Labcorp Genetics (formerly Invitae), Labcorp
Classification: Uncertain significance for Charcot-Marie-Tooth disease type 4. Last evaluated: 2020-12-06. Review status: criteria provided, single submitter. Criteria: Invitae Variant Classification Sherloc (09022015). Collection method: clinical testing. Allele origin: germline.
Comment: In summary, the available evidence is currently insufficient to determine the role of this variant in disease. Therefore, it has been classified as a Variant of Uncertain Significance. Algorithms developed to predict the effect of missense changes on protein structure and function (SIFT, PolyPhen-2, Align-GVGD) all suggest that this variant is likely to be tolerated, but these predictions have not been confirmed by published functional studies and their clinical significance is uncertain. This variant has not been reported in the literature in individuals with PRX-related conditions. This variant is not present in population databases (ExAC no frequency). This sequence change replaces asparagine with histidine at codon 1287 of the PRX protein (p.Asn1287His). The asparagine residue is weakly conserved and there is a small physicochemical difference between asparagine and histidine.